The following is an entry in ClinVar:

NC_000012.11:g.(?_111348861)_(111348999_?)del

Gene: MYL2 (myosin light chain 2; minus strand). Cytogenetic location: 12q24.11.
Variant type: Deletion.
Identifiers: ClinVar variation 1039806 (VCV001039806.8).

ClinVar aggregate classification (germline): Uncertain significance (1 of 4 stars; one submission).

Conditions:
Hypertrophic cardiomyopathy 10. Also called: MYL2-Related Familial Hypertrophic Cardiomyopathy; CARDIOMYOPATHY, HYPERTROPHIC, MID-LEFT VENTRICULAR CHAMBER TYPE, 2. Identifiers: MedGen C1834460, MONDO:0012112, OMIM 608758.

Submission:

Labcorp Genetics (formerly Invitae), Labcorp
Classification: Uncertain significance for Hypertrophic cardiomyopathy 10. Last evaluated: 2017-02-21. Review status: criteria provided, single submitter. Criteria: Invitae Variant Classification Sherloc (09022015). Collection method: clinical testing. Allele origin: germline.
Comment: In summary, this variant deletes the last exon of the protein where amino acids important for protein function have been reported. However, further genetic and/or functional evidence is necessary to classify this variant conclusively. For these reasons, it has been classified as a Variant of Uncertain Significance. This variant is a gross deletion of the genomic region encompassing exon 7 of the MYL2 gene. The 5' boundary is likely confined to intron 6. The 3' end of this event is unknown as it extends through the termination codon beyond the assayed region for this gene and may encompass additional genes. While this deletion is not anticipated to result in nonsense mediated decay, it is expected to create a truncated protein product or disrupt mRNA translation. This variant results in the deletion of the EF-hand calcium binding domain 3 that is a conserved region involved in calcium binding (PMID: 4942892, 678511, 26074085). An intron 6 acceptor splice site pathogenic variant (c.403-1G>C) has been reported in the homozygous state in several individuals affected with infantile type I muscle fibre disease and cardiomyopathy, while the heterozygous relatives were apparently unaffected (PMID: 23365102, 27378946). In addition, a missense substitution in this region (p.Asp166Val) has been determined to be likely pathogenic (PMID: 12707239, 23727233, 18987303). This suggests that the aspartic acid residue is critical for MYL2 protein function and that deleting it may be deleterious. This variant has not been reported in the literature in individuals affected with a MYL2-related disease.

Literature cited by the submitters: PubMed 4942892; PubMed 678511; PubMed 26074085; PubMed 23365102; PubMed 27378946; PubMed 12707239; PubMed 23727233; PubMed 18987303.